The following is an entry in ClinVar:

NM_014694.4(ADAMTSL2):c.233+5G>A

Gene: ADAMTSL2 (ADAMTS like 2; plus strand). Cytogenetic location: 9q34.2.
Variant type: single nucleotide variant.
Coding change: c.233+5G>A on transcript NM_014694.4 (MANE Select); 5 bases into the intron after coding-DNA position 233, G replaced by A.
Molecular consequence: intron variant.
Genome position (GRCh38, 1-based): chr9:133,537,552, G>A. VCF-style: chr9-133537552-G-A. GRCh37 (hg19) VCF-style: chr9-136402674-G-A.
Other names: c.233+5G>A (NM_001145320.2).
Identifiers: ClinVar variation 3391284 (VCV003391284.1).
Genomic context (GRCh38, chr9:133,537,552, plus strand): 5'-TCCCGCAGTTGCGGGGGTGGGGTGACATCCCAGGAGCGGCACTGCCTGCAGCAGAGGTGC[G>A]AGGTTGGGCACGTGGCCCTGAGGGGATGGCATGAGGGCAGGGTAGCGGGCAGGAGAGGGC-3'

ClinVar aggregate classification (germline): Uncertain significance (1 of 4 stars; one submission).

Conditions:
Geleophysic dysplasia 1 (GPHYSD1). Also called: Geleophysic dwarfism. Identifiers: Orphanet 2623, MedGen C3278147, MONDO:0009269, OMIM 231050.

gnomAD v4.1: 3 of 1,345,240 alleles (0.00022%); highest among the groups gnomAD compares: African/African-American, 0.0015%; no homozygotes.

Submission:

Neuberg Centre For Genomic Medicine, NCGM
Classification: Uncertain significance for Geleophysic dysplasia 1. Last evaluated: 2023-06-22. Review status: criteria provided, single submitter. Criteria: ACMG Guidelines, 2015. Collection method: clinical testing. Allele origin: germline. Inheritance: Autosomal recessive inheritance. Affected: yes.
Comment: The observed splice region c.233+5G>A variant in ADAMTSL2 gene has not been reported previously as a pathogenic variant nor as a benign variant, to our knowledge. This variant is reported with the allele frequency of 0.0008% in the gnomAD Exomes. This splice region variant in intron 3 affects the position five nucleotides downstream of exon 2. The spliceAI tool predicts that this splice site variant is Benign. For these reasons, this variant has been classified as Uncertain Significance.